The following is an entry in ClinVar:

NM_016263.4(FZR1):c.1050G>C (p.Gln350His)

Gene: FZR1 (fizzy and cell division cycle 20 related 1; plus strand). Cytogenetic location: 19p13.3.
Variant type: single nucleotide variant.
Coding change: c.1050G>C on transcript NM_016263.4 (MANE Select); coding-DNA position 1050, G replaced by C.
Protein change: p.Gln350His; replaces glutamine 350 with histidine.
Molecular consequence: missense variant.
Genome position (GRCh38, 1-based): chr19:3,532,458, G>C. VCF-style: chr19-3532458-G-C. GRCh37 (hg19) VCF-style: chr19-3532456-G-C.
Other names: c.783G>C, p.Gln261His (NM_001136197.1); c.1050G>C, p.Gln350His (NM_001136198.1); short protein forms Q261H, Q350H.
Identifiers: ClinVar variation 4871577 (VCV004871577.1).

ClinVar aggregate classification (germline): Uncertain significance (1 of 4 stars; one submission).

Conditions:
Inborn genetic diseases. Identifiers: MedGen C0950123, MeSH D030342.

gnomAD v4.1: 20 of 1,602,766 alleles (0.0012%); highest among the groups gnomAD compares: Non-Finnish European, 0.0016%; no homozygotes.

Submission:

Ambry Genetics
Classification: Uncertain significance for Inborn genetic diseases. Last evaluated: 2026-06-10. Review status: criteria provided, single submitter. Criteria: Ambry Variant Classification Scheme 2023. Collection method: clinical testing. Allele origin: germline.
Comment: The c.1050G>C (p.Q350H) alteration is located in exon 10 (coding exon 10) of the FZR1 gene. This alteration results from a G to C substitution at nucleotide position 1050, causing the glutamine (Q) at amino acid position 350 to be replaced by a histidine (H). Based on data from gnomAD, the C allele has an overall frequency of <0.001% (1/242574) total alleles studied. The highest observed frequency was 0.001% (1/108986) of European (non-Finnish) alleles. Based on insufficient or conflicting evidence, the clinical significance of this alteration remains unclear.